The following is an entry in ClinVar:

NM_017617.5(NOTCH1):c.4210G>A (p.Glu1404Lys)

Gene: NOTCH1 (notch receptor 1; minus strand). Cytogenetic location: 9q34.3.
Variant type: single nucleotide variant.
Coding change: c.4210G>A on transcript NM_017617.5 (MANE Select); coding-DNA position 4210, G replaced by A.
Protein change: p.Glu1404Lys; replaces glutamic acid 1404 with lysine.
Molecular consequence: missense variant.
Genome position (GRCh38, 1-based): chr9:136,505,686, C>T on the plus strand (G>A on the coding strand, the complement: NOTCH1 is on the minus strand). VCF-style: chr9-136505686-C-T. GRCh37 (hg19) VCF-style: chr9-139400138-C-T.
Other names: short protein forms E1404K.
Identifiers: ClinVar variation 1738751 (VCV001738751.2), dbSNP rs1434047791, ClinGen allele CA375649064.
Genomic context (GRCh38, chr9:136,505,686, plus strand): 5'-AGAGCCCGTTGAATTTGGCGGGGCACAGGCAACGGTAGAAGGGGCTCTCGGATGTGGGCT[C>T]ACAGGTCCCCTGGTTGTAGCAGGGGTTGCCGCCCAGGCAGGGGCTGCTGGCCGGGAACTG-3'
Protein context (NP_060087.3, residues 1394-1414): GNPCYNQGTC[Glu1404Lys]PTSESPFYRC

ClinVar aggregate classification (germline): Uncertain significance (1 of 4 stars; one submission).

Conditions:
Familial thoracic aortic aneurysm and aortic dissection (TAAD). Also called: Thoracic aortic aneurysms and dissections. Identifiers: Orphanet 91387, MedGen C4707243, MONDO:0019625.

Allele frequency attached by ClinVar (database versions not stated): gnomAD exomes below 0.00001; gnomAD 0.00001; TOPMed 0.00001.

Submission:

Ambry Genetics
Classification: Uncertain significance for Familial thoracic aortic aneurysm and aortic dissection. Last evaluated: 2023-12-22. Review status: criteria provided, single submitter. Criteria: Ambry Variant Classification Scheme 2023. Collection method: clinical testing. Allele origin: germline.
Comment: The p.E1404K variant (also known as c.4210G>A), located in coding exon 25 of the NOTCH1 gene, results from a G to A substitution at nucleotide position 4210. The glutamic acid at codon 1404 is replaced by lysine, an amino acid with similar properties. This amino acid position is conserved. In addition, this alteration is predicted to be tolerated by in silico analysis. Since supporting evidence is limited at this time, the clinical significance of this alteration remains unclear.